The following is an entry in ClinVar:

ClinVar aggregate classification (germline): Uncertain significance. Review status: criteria provided, single submitter (1 of 4 stars). 2 submissions from 2 submitters: Uncertain significance (1). 1 of the submissions does not count toward it. Last evaluated 2026-02-11.

Conditions:
Hereditary cancer-predisposing syndrome. Also called: Neoplastic Syndromes, Hereditary; Hereditary neoplastic syndrome; Tumor predisposition; Hereditary Cancer Syndrome. Identifiers: Orphanet 140162, MedGen C0027672, MeSH D009386, MONDO:0015356.
Malignant tumor of urinary bladder. Also called: Urinary Bladder Neoplasms; Bladder cancer; Urinary bladder cancer. Identifiers: MedGen C0005684, MONDO:0001187, OMIM 109800.

Submissions (3):

Ambry Genetics
Classification: Uncertain significance for Hereditary cancer-predisposing syndrome. Last evaluated: 2026-02-11. Review status: criteria provided, single submitter. Criteria: Ambry Variant Classification Scheme 2023. Collection method: clinical testing. Allele origin: germline.
Comment: The c.4987-3C>T intronic variant results from a C to T substitution 3 nucleotides upstream from coding exon 15 in the BRCA1 gene. This nucleotide position is highly conserved in available vertebrate species. In silico splice site analysis predicts that this alteration may weaken the native splice acceptor site. Based on the available evidence, the clinical significance of this variant remains unclear.

Brotman Baty Institute, University of Washington
No classification provided (evidence only). Condition: Breast-ovarian cancer, familial 1. Review status: no classification provided. Collection method: in vitro. Allele origin: not applicable. Functional consequence: function_uncertain_variant. Not counted in ClinVar's aggregate classification.
ClinVar note: "not provided" was previously submitted as the classification for the variant. However, the classification appeared to be based only on an observation of functional data so it was converted to no classification on 2025-07-30.

Laboratory of Urology, Hospital Clinic de Barcelona
Classification: Pathogenic for Malignant tumor of urinary bladder. Review status: no assertion criteria provided. Collection method: research. Allele origin: somatic. Affected: yes. Not counted in ClinVar's aggregate classification.

NM_007294.4(BRCA1):c.4987-3C>T

Gene: BRCA1 (BRCA1 DNA repair associated; minus strand). Cytogenetic location: 17q21.31.
Variant type: single nucleotide variant.
Coding change: c.4987-3C>T on transcript NM_007294.4 (MANE Select); 3 bases into the intron before coding-DNA position 4987, C replaced by T.
Molecular consequence: intron variant.
Genome position (GRCh38, 1-based): chr17:43,067,698, G>A on the plus strand (C>T on the coding strand, the complement: BRCA1 is on the minus strand). VCF-style: chr17-43067698-G-A. GRCh37 (hg19) VCF-style: chr17-41219715-G-A.
Other names: c.1534-3C>T (NM_001408458.1, NM_001408461.1, NM_001408464.1 and 7 more transcripts); c.4096-3C>T (NM_001407967.1); c.4606-3C>T (NM_001407959.1); c.4720-3C>T (NM_001407931.1, NM_001407932.1, NM_001407928.1 and 4 more transcripts); c.4843-3C>T (NM_001407747.1, NM_001407745.1, NM_001407737.1 and 21 more transcripts); c.4603-3C>T (NM_001407962.1, NM_001407960.1); c.1174-3C>T (NM_001408512.1); c.1297-3C>T (NM_001408510.1); and 71 more.
Identifiers: ClinVar variation 441350 (VCV000441350.10), dbSNP rs397509213, ClinGen allele CA658653696.